The following is an entry in ClinVar:

NM_001104631.2(PDE4D):c.2314G>T (p.Asp772Tyr)

Gene: PDE4D (phosphodiesterase 4D; minus strand). Cytogenetic location: 5q11.2.
Variant type: single nucleotide variant.
Coding change: c.2314G>T on transcript NM_001104631.2 (MANE Select); coding-DNA position 2314, G replaced by T.
Protein change: p.Asp772Tyr; replaces aspartic acid 772 with tyrosine.
Molecular consequence: missense variant.
Genome position (GRCh38, 1-based): chr5:58,974,780, C>A on the plus strand (G>T on the coding strand, the complement: PDE4D is on the minus strand). VCF-style: chr5-58974780-C-A. GRCh37 (hg19) VCF-style: chr5-58270607-C-A.
Other names: c.2131G>T, p.Asp711Tyr (NM_001165899.2, NM_001364599.1); c.2122G>T, p.Asp708Tyr (NM_001197218.2); c.1948G>T, p.Asp650Tyr (NM_001197219.2); c.1924G>T, p.Asp642Tyr (NM_001197220.2); c.1408G>T, p.Asp470Tyr (NM_001197221.2, NM_001364603.1); c.1642G>T, p.Asp548Tyr (NM_001197222.2); c.1441G>T, p.Asp481Tyr (NM_001197223.2); c.2101G>T, p.Asp701Tyr (NM_001349241.2); and 3 more; short protein forms D470Y, D481Y, D516Y, D548Y, D636Y, D642Y, D650Y, D662Y.
Identifiers: ClinVar variation 1312182 (VCV001312182.2), dbSNP rs2153302022, ClinGen allele CA359812326.

ClinVar aggregate classification (germline): Uncertain significance (1 of 4 stars; one submission).

Submission:

GeneDx
Classification: Uncertain significance. Last evaluated: 2019-09-20. Review status: criteria provided, single submitter. Criteria: GeneDx Variant Classification Process June 2021. Collection method: clinical testing. Allele origin: germline. Affected: yes.
Comment: Not observed in large population cohorts (Lek et al., 2016); In silico analysis, which includes protein predictors and evolutionary conservation, supports a deleterious effect; Has not been previously published as pathogenic or benign to our knowledge